The following is an entry in ClinVar:

ClinVar aggregate classification (germline): Uncertain significance. Review status: criteria provided, multiple submitters, no conflicts (2 of 4 stars). 3 submissions from 3 submitters: Uncertain significance (3). Last evaluated 2025-08-11.

Conditions:
Familial thoracic aortic aneurysm and aortic dissection (TAAD). Also called: Thoracic aortic aneurysms and dissections. Identifiers: Orphanet 91387, MedGen C4707243, MONDO:0019625.
Aortic aneurysm, familial thoracic 4 (AAT4). Also called: AORTIC ANEURYSM/AORTIC DISSECTION AND PATENT DUCTUS ARTERIOSUS. Identifiers: MedGen C1851504, MONDO:0007568, OMIM 132900.

Submissions (3):

GeneDx
Classification: Uncertain significance. Last evaluated: 2025-08-11. Review status: criteria provided, single submitter. Criteria: GeneDx Variant Classification Process June 2021. Collection method: clinical testing. Allele origin: germline. Affected: yes.
Comment: Identified in a patient with Noonan syndrome in published literature (PMID: 28087566); Not observed at significant frequency in large population cohorts (gnomAD); In silico analysis suggests that this missense variant does not alter protein structure/function; This variant is associated with the following publications: (PMID: 28087566)

Ambry Genetics
Classification: Uncertain significance for Familial thoracic aortic aneurysm and aortic dissection. Last evaluated: 2024-12-09. Review status: criteria provided, single submitter. Criteria: Ambry Variant Classification Scheme 2023. Collection method: clinical testing. Allele origin: germline.
Comment: The p.V87L variant (also known as c.259G>T), located in coding exon 1 of the MYH11 gene, results from a G to T substitution at nucleotide position 259. The valine at codon 87 is replaced by leucine, an amino acid with highly similar properties. This variant has been reported in a cardiovascular disease cohort that underwent whole exome sequencing (Seidelmann SB et al. Circ Cardiovasc Genet, 2017 Feb;10:). This amino acid position is highly conserved in available vertebrate species. In addition, the in silico prediction for this alteration is inconclusive. Based on the available evidence, the clinical significance of this variant remains unclear.

Labcorp Genetics (formerly Invitae), Labcorp
Classification: Uncertain significance for Aortic aneurysm, familial thoracic 4. Last evaluated: 2021-07-31. Review status: criteria provided, single submitter. Criteria: Invitae Variant Classification Sherloc (09022015). Collection method: clinical testing. Allele origin: germline.
Comment: This sequence change replaces valine with leucine at codon 87 of the MYH11 protein (p.Val87Leu). The valine residue is highly conserved and there is a small physicochemical difference between valine and leucine. This variant is not present in population databases (ExAC no frequency). This variant has not been reported in the literature in individuals affected with MYH11-related conditions. Algorithms developed to predict the effect of missense changes on protein structure and function are either unavailable or do not agree on the potential impact of this missense change (SIFT: "Deleterious"; PolyPhen-2: "Probably Damaging"; Align-GVGD: "Class C0"). In summary, the available evidence is currently insufficient to determine the role of this variant in disease. Therefore, it has been classified as a Variant of Uncertain Significance.

Literature cited by the submitters: PubMed 28087566 (cited by Ambry Genetics).

NM_002474.3(MYH11):c.259G>T (p.Val87Leu)

Gene: MYH11 (myosin heavy chain 11; minus strand). Cytogenetic location: 16p13.11.
Variant type: single nucleotide variant.
Coding change: c.259G>T on transcript NM_002474.3 (MANE Select); coding-DNA position 259, G replaced by T.
Protein change: p.Val87Leu; replaces valine 87 with leucine.
Molecular consequence: missense variant.
Genome position (GRCh38, 1-based): chr16:15,837,994, C>A on the plus strand (G>T on the coding strand, the complement: MYH11 is on the minus strand). VCF-style: chr16-15837994-C-A. GRCh37 (hg19) VCF-style: chr16-15931851-C-A.
Other names: c.259G>T, p.Val87Leu (NM_001040113.2, NM_001040114.2, NM_022844.3); c.259G>T (NM_002474.2); short protein forms V87L.
Identifiers: ClinVar variation 1401015 (VCV001401015.8), dbSNP rs1488968785, ClinGen allele CA395198324.